The following is an entry in ClinVar:

ClinVar aggregate classification (germline): Uncertain significance. Review status: criteria provided, multiple submitters, no conflicts (2 of 4 stars). 3 submissions from 3 submitters: Uncertain significance (3). Last evaluated 2025-10-09.

Conditions:
Inborn genetic diseases. Identifiers: MedGen C0950123, MeSH D030342.
Dermatofibrosis lenticularis disseminata (BOS). Also called: DERMATOFIBROSIS LENTICULARIS DISSEMINATA WITH OSTEOPOIKILOSIS; DERMATOOSTEOPOIKILOSIS; OSTEOPATHIA CONDENSANS DISSEMINATA. Identifiers: Orphanet 1306, MedGen C0265514, MONDO:0008157, OMIM 166700.

Allele frequency attached by ClinVar (database versions not stated): ExAC 0.00004; gnomAD 0.00004; gnomAD exomes 0.00004 and 0.00008; TOPMed 0.00004; ESP Exome Variant Server 0.00008.
gnomAD v4.1: 117 of 1,614,120 alleles (0.0072%); highest among the groups gnomAD compares: Non-Finnish European, 0.0094%; no homozygotes.

Submissions (3):

Labcorp Genetics (formerly Invitae), Labcorp
Classification: Uncertain significance. Last evaluated: 2025-10-09. Review status: criteria provided, single submitter. Criteria: Invitae Variant Classification Sherloc (09022015). Collection method: clinical testing. Allele origin: germline.
Comment: This sequence change replaces proline, which is neutral and non-polar, with threonine, which is neutral and polar, at codon 370 of the LEMD3 protein (p.Pro370Thr). This variant is present in population databases (rs200288324, gnomAD 0.009%). This variant has not been reported in the literature in individuals affected with LEMD3-related conditions. ClinVar contains an entry for this variant (Variation ID: 882678). Invitae Evidence Modeling of protein sequence and biophysical properties (such as structural, functional, and spatial information, amino acid conservation, physicochemical variation, residue mobility, and thermodynamic stability) indicates that this missense variant is not expected to disrupt LEMD3 protein function with a negative predictive value of 80%. In summary, the available evidence is currently insufficient to determine the role of this variant in disease. Therefore, it has been classified as a Variant of Uncertain Significance.

Ambry Genetics
Classification: Uncertain significance for Inborn genetic diseases. Last evaluated: 2025-10-07. Review status: criteria provided, single submitter. Criteria: Ambry Variant Classification Scheme 2023. Collection method: clinical testing. Allele origin: germline.

Illumina Laboratory Services, Illumina
Classification: Uncertain significance for Dermatofibrosis lenticularis disseminata. Last evaluated: 2018-01-12. Review status: criteria provided, single submitter. Criteria: ICSL Variant Classification Criteria 13 December 2019. Collection method: clinical testing. Allele origin: germline.

NM_014319.5(LEMD3):c.1108C>A (p.Pro370Thr)

Genes: LEMD3 (LEM domain containing 3; plus strand), LOC130008225 (ATAC-STARR-seq lymphoblastoid active region 6608; plus strand). Cytogenetic location: 12q14.3.
Variant type: single nucleotide variant.
Coding change: c.1108C>A on transcript NM_014319.5 (MANE Select); coding-DNA position 1108, C replaced by A.
Protein change: p.Pro370Thr; replaces proline 370 with threonine.
Molecular consequence: missense variant.
Genome position (GRCh38, 1-based): chr12:65,170,704, C>A. VCF-style: chr12-65170704-C-A. GRCh37 (hg19) VCF-style: chr12-65564484-C-A.
Other names: c.1108C>A, p.Pro370Thr (NM_001167614.2); short protein forms P370T.
Identifiers: ClinVar variation 882678 (VCV000882678.12), dbSNP rs200288324, ClinGen allele CA6670849.